The following is an entry in ClinVar:

NM_206926.2(SELENON):c.436-156C>T

Gene: SELENON (selenoprotein N; plus strand). Cytogenetic location: 1p36.11.
Variant type: single nucleotide variant.
Coding change: c.436-156C>T on transcript NM_206926.2 (MANE Select); 156 bases into the intron before coding-DNA position 436, C replaced by T.
Molecular consequence: intron variant.
Genome position (GRCh38, 1-based): chr1:25,808,424, C>T. VCF-style: chr1-25808424-C-T. GRCh37 (hg19) VCF-style: chr1-26134915-C-T.
Other names: c.538-156C>T (NM_020451.3).
Identifiers: ClinVar variation 679430 (VCV000679430.1), dbSNP rs114688353, ClinGen allele CA16049072.

ClinVar aggregate classification (germline): Likely benign (1 of 4 stars; one submission).

Allele frequency attached by ClinVar (database versions not stated): gnomAD 0.01527 and 0.01419; 1000 Genomes Project 0.01498; 1000 Genomes Project 30x 0.01562; TOPMed 0.01653.
gnomAD v4.1: 2,142 of 152,298 alleles (1.4%); highest among the groups gnomAD compares: African/African-American, 4.9%; 57 homozygotes.

Submission:

GeneDx
Classification: Likely benign. Last evaluated: 2018-06-16. Review status: criteria provided, single submitter. Criteria: GeneDx Variant Classification (06012015). Collection method: clinical testing. Allele origin: germline. Affected: yes.
Comment: This variant is considered likely benign or benign based on one or more of the following criteria: it is a conservative change, it occurs at a poorly conserved position in the protein, it is predicted to be benign by multiple in silico algorithms, and/or has population frequency not consistent with disease.